The following is an entry in ClinVar:

NM_001844.5(COL2A1):c.1541A>C (p.Asn514Thr)

Gene: COL2A1 (collagen type II alpha 1 chain; minus strand). Cytogenetic location: 12q13.11.
Variant type: single nucleotide variant.
Coding change: c.1541A>C on transcript NM_001844.5 (MANE Select); coding-DNA position 1541, A replaced by C.
Protein change: p.Asn514Thr; replaces asparagine 514 with threonine.
Molecular consequence: missense variant.
Genome position (GRCh38, 1-based): chr12:47,985,952, T>G on the plus strand (A>C on the coding strand, the complement: COL2A1 is on the minus strand). VCF-style: chr12-47985952-T-G. GRCh37 (hg19) VCF-style: chr12-48379735-T-G.
Other names: c.1334A>C, p.Asn445Thr (NM_033150.3); short protein forms N445T, N514T.
Identifiers: ClinVar variation 1879233 (VCV001879233.29), dbSNP rs2540147506, ClinGen allele CA384552184.
Genomic context (GRCh38, chr12:47,985,952, plus strand): 5'-GCCCCTCTTCTCCCACTCACCTTGGGACCTGCCAGACCATCTTGACCTGGGAAACCGCGG[T>G]TGCCGGGAGCACCCTAAGGAGCCACAGGGAGGAGAGGCAGTGAGTGAGAACAGCCCCAAC-3'
Protein context (NP_001835.3, residues 504-524): GPPGERGAPG[Asn514Thr]RGFPGQDGLA

ClinVar aggregate classification (germline): Uncertain significance (1 of 4 stars; one submission).

Submission:

CeGaT Center for Human Genetics Tuebingen
Classification: Uncertain significance. Last evaluated: 2022-11-01. Review status: criteria provided, single submitter. Criteria: CeGaT Center For Human Genetics Tuebingen Variant Classification Criteria Version 2. Collection method: clinical testing. Allele origin: germline. Affected: yes. Observed: 1 variant allele.
Comment: COL2A1: PM2, PP2, BP5